The following is an entry in ClinVar:

NM_000558.5(HBA1):c.326C>A (p.Thr109Asn)

Genes: HBA1 (hemoglobin subunit alpha 1; plus strand), LOC106804613 (hemoglobin subunit alpha 1 recombination region; plus strand). Cytogenetic location: 16p13.3.
Variant type: single nucleotide variant.
Coding change: c.326C>A on transcript NM_000558.5 (MANE Select); coding-DNA position 326, C replaced by A.
Protein change: p.Thr109Asn; replaces threonine 109 with asparagine.
Molecular consequence: missense variant.
Genome position (GRCh38, 1-based): chr16:177,308, C>A. VCF-style: chr16-177308-C-A. GRCh37 (hg19) VCF-style: chr16-227307-C-A.
Other names: short protein forms T109N.
Identifiers: ClinVar variation 1330688 (VCV001330688.7), dbSNP rs756810015, ClinGen allele CA7770277.

ClinVar aggregate classification (germline): Likely pathogenic (1 of 4 stars; one submission).

Allele frequency attached by ClinVar (database versions not stated): gnomAD 0.00001; gnomAD exomes 0.00001 and 0.00003; ExAC 0.00006.
gnomAD v4.1: 20 of 1,613,162 alleles (0.0012%); highest among the groups gnomAD compares: South Asian, 0.016%; no homozygotes.

Submission:

ARUP Laboratories, Molecular Genetics and Genomics, ARUP Laboratories
Classification: Likely pathogenic. Last evaluated: 2021-03-04. Review status: criteria provided, single submitter. Criteria: ARUP Molecular Germline Variant Investigation Process 2021. Collection method: clinical testing. Allele origin: germline.
Comment: The Hb Rogliano variant (HBA1: c.326C>A; p.Thr109Asn, also known as Thr108Asn when numbered from the mature protein, rs756810015) is reported in the literature in the heterozygous state in asymptomatic individuals as well as in individuals with mild microcytosis, mild anisocytosis, and mild hypochromia (Bisconte 2015, Farashi 2016, see HbVar). However, the phenotype of this variant in the presence of other alpha globin variants is unknown. This variant is considered to be hyper-unstable (Bisconte 2015). This variant is found in the general population with an overall allele frequency of 0.003% (7/247416 alleles) in the Genome Aggregation Database. The threonine at codon 109 is moderately conserved, and computational analyses predict that this variant is deleterious (REVEL: 0.757). Based on available information, this variant is considered to be likely pathogenic. References: Link to HbVar for Hb Rogliano: Bisconte MG et al. a-Thalassemia associated with hb instability: a tale of two features. the case of Hb Rogliano or a1 Cod 108(G15)Thr?Asn and Hb Policoro or a2 Cod 124(H7)Ser?Pro. PLoS One. 2015 Mar 2;10(3):e011573 Farashi S et al. Identification of Mutations Causing Aberrant Termination and Deficient Splice Donor Site on the HBA1 Gene. Hemoglobin. 2016;40(1):38-43.